The following is an entry in ClinVar:

NM_017934.7(PHIP):c.956G>A (p.Arg319Gln)

Gene: PHIP (PHIP subunit of CUL4-Ring ligase complex; minus strand). Cytogenetic location: 6q14.1.
Variant type: single nucleotide variant.
Coding change: c.956G>A on transcript NM_017934.7 (MANE Select); coding-DNA position 956, G replaced by A.
Protein change: p.Arg319Gln; replaces arginine 319 with glutamine.
Molecular consequence: missense variant.
Genome position (GRCh38, 1-based): chr6:79,019,127, C>T on the plus strand (G>A on the coding strand, the complement: PHIP is on the minus strand). VCF-style: chr6-79019127-C-T. GRCh37 (hg19) VCF-style: chr6-79728844-C-T.
Other names: short protein forms R319Q.
Identifiers: ClinVar variation 4982100 (VCV004982100.1).

ClinVar aggregate classification (germline): Uncertain significance (1 of 4 stars; one submission).

Conditions:
PHIP-related disorder. Also called: PHIP-related disorders; PHIP-related condition.

gnomAD v4.1: 1 of 1,612,634 alleles (0.000062%); highest among the groups gnomAD compares: Non-Finnish European, 0.000085%; no homozygotes.

Submission:

PreventionGenetics, part of Exact Sciences
Classification: Uncertain significance for PHIP-related condition. Last evaluated: 2026-03-19. Review status: criteria provided, single submitter. Criteria: ACMG Guidelines, 2015. Collection method: clinical testing. Allele origin: germline.
Comment: The PHIP c.956G>A variant is predicted to result in the amino acid substitution p.Arg319Gln. To our knowledge, this variant has not been reported in the literature or in a large population database (gnomAD), indicating this variant is rare. At this time, the clinical significance of this variant is uncertain due to the absence of conclusive functional and genetic evidence.